The following is an entry in ClinVar:

NM_017433.5(MYO3A):c.3274+1G>T

Gene: MYO3A (myosin IIIA; plus strand). Cytogenetic location: 10p12.1.
Variant type: single nucleotide variant.
Coding change: c.3274+1G>T on transcript NM_017433.5 (MANE Select); the canonical splice donor site of the intron after coding-DNA position 3274, G replaced by T.
Molecular consequence: splice donor variant.
Genome position (GRCh38, 1-based): chr10:26,168,875, G>T. VCF-style: chr10-26168875-G-T. GRCh37 (hg19) VCF-style: chr10-26457804-G-T.
Identifiers: ClinVar variation 929938 (VCV000929938.9), dbSNP rs201538580, ClinGen allele CA5445213.

ClinVar aggregate classification (germline): Likely pathogenic. Review status: criteria provided, multiple submitters, no conflicts (2 of 4 stars). 4 submissions from 4 submitters: Likely pathogenic (4). Last evaluated 2025-09-16.

Conditions:
Autosomal recessive nonsyndromic hearing loss 30. Identifiers: Orphanet 90636, MedGen C1846784, MONDO:0011774, OMIM 607101.
Rare genetic deafness. Identifiers: Orphanet 96210, MedGen C5680250.

Allele frequency attached by ClinVar (database versions not stated): gnomAD 0.00001; TOPMed 0.00002; ESP Exome Variant Server 0.00008.
gnomAD v4.1: 15 of 1,607,714 alleles (0.00093%); highest among the groups gnomAD compares: Middle Eastern, 0.021%; no homozygotes.

Submissions (4):

Dasa
Classification: Likely pathogenic. Last evaluated: 2025-09-16. Review status: criteria provided, single submitter. Criteria: DASA Assertion Criteria. Collection method: clinical testing. Allele origin: germline.
Comment: NM_017433.5(MYO3A):c.3274+1G>T affects a canonical splice site and is predicted to disrupt normal RNA splicing. Loss of function is an established disease mechanism for MYO3A-associated disorders. Also, this variant is rare in population databases. Based on the currently available evidence, this variant is classified as likely pathogenic.

Laboratorio de Genetica e Diagnostico Molecular, Hospital Israelita Albert Einstein
Classification: Likely pathogenic for Autosomal recessive nonsyndromic hearing loss 30. Last evaluated: 2024-11-19. Review status: criteria provided, single submitter. Criteria: ACMG Guidelines, 2015. Collection method: clinical testing. Allele origin: germline. Affected: yes.
Comment: ACMG classification criteria: PVS1 very strong, PM2 supporting

GeneDx
Classification: Likely pathogenic. Last evaluated: 2022-12-08. Review status: criteria provided, single submitter. Criteria: GeneDx Variant Classification Process June 2021. Collection method: clinical testing. Allele origin: germline. Affected: yes.
Comment: Canonical splice site variant predicted to result in a null allele in a gene for which loss-of-function is a known mechanism of disease; Not observed at significant frequency in large population cohorts (gnomAD); Has not been previously published as pathogenic or benign to our knowledge

Laboratory for Molecular Medicine, Mass General Brigham Personalized Medicine
Classification: Likely pathogenic for Rare genetic deafness. Last evaluated: 2020-04-16. Review status: criteria provided, single submitter. Criteria: LMM Criteria. Collection method: clinical testing. Allele origin: germline. Inheritance: Autosomal recessive inheritance. Observed: 1 variant allele.
Comment: The c.3274+1G>T variant in MYO3A has not been previously reported in individuals with hearing loss, but has been reported in 0.0008% (1/112912) of European chromosomes by gnomAD. This variant occurs within the canonical splice site (+/- 1,2) and is predicted to cause altered splicing leading to an abnormal or absent protein. Loss of function of the MYO3A gene is an established disease mechanism in autosomal recessive hearing loss. In summary, although additional studies are required to fully establish its clinical significance, this variant meets criteria to be classified as likely pathogenic for autosoma recessive sensorineural hearing loss. ACMG/AMP Criteria applied:PVS1, PM2.